The following is an entry in ClinVar:

ClinVar aggregate classification (germline): Uncertain significance (1 of 4 stars; one submission).

Conditions:
Cardiomyopathy (CMYO). Also called: Cardiomyopathies. Identifiers: Orphanet 167848, MedGen C0878544, MONDO:0004994, HP:0001638. Inheritance: Various modes of inheritance.

gnomAD v4.1: 10 of 1,611,724 alleles (0.00062%); highest among the groups gnomAD compares: South Asian, 0.011%; no homozygotes.

Submission:

Color Diagnostics, LLC DBA Color Health
Classification: Uncertain significance for Cardiomyopathy. Last evaluated: 2025-07-07. Review status: criteria provided, single submitter. Criteria: ACMG Guidelines, 2015. Collection method: clinical testing. Allele origin: germline.
Comment: This variant is located in the RYR2 protein. To our knowledge, functional studies have not been reported for this variant. This variant has not been reported in individuals affected with RYR2-related disorders in the literature. This variant has been identified in 5/249226 chromosomes in the general population by the Genome Aggregation Database (gnomAD). The available evidence is insufficient to determine the role of this variant in disease conclusively. Therefore, this variant is classified as a Variant of Uncertain Significance.

NM_001035.3(RYR2):c.273G>C (p.Gly91=)

Gene: RYR2 (ryanodine receptor 2; plus strand). Cytogenetic location: 1q43.
Variant type: single nucleotide variant.
Coding change: c.273G>C on transcript NM_001035.3 (MANE Select); coding-DNA position 273, G replaced by C.
Protein change: p.Gly91=; no amino-acid change (glycine 91 retained).
Molecular consequence: synonymous variant.
Genome position (GRCh38, 1-based): chr1:237,330,982, G>C. VCF-style: chr1-237330982-G-C. GRCh37 (hg19) VCF-style: chr1-237494282-G-C.
Identifiers: ClinVar variation 4757552 (VCV004757552.1).